The following is an entry in ClinVar:

ClinVar aggregate classification (germline): Uncertain significance. Review status: criteria provided, multiple submitters, no conflicts (2 of 4 stars). 2 submissions from 2 submitters: Uncertain significance (2). Last evaluated 2025-11-03.

Conditions:
Inborn genetic diseases. Identifiers: MedGen C0950123, MeSH D030342.

Allele frequency attached by ClinVar (database versions not stated): ExAC 0.00001; gnomAD 0.00003; gnomAD exomes 0.00001; ESP Exome Variant Server 0.00008.
gnomAD v4.1: 15 of 1,614,110 alleles (0.00093%); highest among the groups gnomAD compares: African/African-American, 0.012%; no homozygotes.

Submissions (2):

Ambry Genetics
Classification: Uncertain significance for Inborn genetic diseases. Last evaluated: 2025-11-03. Review status: criteria provided, single submitter. Criteria: Ambry Variant Classification Scheme 2023. Collection method: clinical testing. Allele origin: germline.
Comment: The c.10340A>G (p.N3447S) alteration is located in exon 67 (coding exon 66) of the HERC2 gene. This alteration results from a A to G substitution at nucleotide position 10340, causing the asparagine (N) at amino acid position 3447 to be replaced by a serine (S). Based on data from gnomAD, the G allele has an overall frequency of 0.002% (5/282854) total alleles studied. The highest observed frequency was 0.012% (3/24968) of African alleles. Based on insufficient or conflicting evidence, the clinical significance of this alteration remains unclear.

GeneDx
Classification: Uncertain significance. Last evaluated: 2022-08-29. Review status: criteria provided, single submitter. Criteria: GeneDx Variant Classification Process June 2021. Collection method: clinical testing. Allele origin: germline. Affected: yes.
Comment: In silico analysis supports that this missense variant does not alter protein structure/function; Has not been previously published as pathogenic or benign to our knowledge

NM_004667.6(HERC2):c.10340A>G (p.Asn3447Ser)

Gene: HERC2 (HECT and RLD domain containing E3 ubiquitin protein ligase 2; minus strand). Cytogenetic location: 15q13.1.
Variant type: single nucleotide variant.
Coding change: c.10340A>G on transcript NM_004667.6 (MANE Select); coding-DNA position 10340, A replaced by G.
Protein change: p.Asn3447Ser; replaces asparagine 3447 with serine.
Molecular consequence: missense variant.
Genome position (GRCh38, 1-based): chr15:28,168,480, T>C on the plus strand (A>G on the coding strand, the complement: HERC2 is on the minus strand). VCF-style: chr15-28168480-T-C. GRCh37 (hg19) VCF-style: chr15-28413626-T-C.
Other names: c.10340A>G (NM_004667.4); short protein forms N3447S.
Identifiers: ClinVar variation 1327284 (VCV001327284.4), dbSNP rs374123392, ClinGen allele CA7440877.